The following is an entry in ClinVar:

ClinVar aggregate classification (germline): Likely benign. Review status: criteria provided, multiple submitters, no conflicts (2 of 4 stars). 5 submissions from 5 submitters: Likely benign (4). 1 of the submissions does not count toward it. Last evaluated 2026-02-02.

Conditions:
Inborn genetic diseases. Identifiers: MedGen C0950123, MeSH D030342.
ASPA-related disorder. Also called: ASPA-related condition.
Spongy degeneration of central nervous system. Also called: Von Bogaert-Bertrand disease; ACY2 DEFICIENCY; AMINOACYLASE 2 DEFICIENCY; ASP DEFICIENCY; ASPA DEFICIENCY; ASPARTOACYLASE DEFICIENCY. Identifiers: Orphanet 141, MedGen C0206307, MONDO:0010079, OMIM 271900.

Allele frequency attached by ClinVar (database versions not stated): gnomAD 0.00006 and 0.00005; gnomAD exomes 0.00013; ESP Exome Variant Server 0.00023; TOPMed 0.00011; ExAC 0.00014; 1000 Genomes Project 30x 0.00016; 1000 Genomes Project 0.00020.
gnomAD v4.1: 203 of 1,614,078 alleles (0.013%); highest among the groups gnomAD compares: Middle Eastern, 0.082%; no homozygotes.

Submissions (5):

Labcorp Genetics (formerly Invitae), Labcorp
Classification: Likely benign for Spongy degeneration of central nervous system. Last evaluated: 2026-02-02. Review status: criteria provided, single submitter. Criteria: Invitae Variant Classification Sherloc (09022015). Collection method: clinical testing. Allele origin: germline.

PreventionGenetics, part of Exact Sciences
Classification: Likely benign for ASPA-related condition. Last evaluated: 2025-07-02. Review status: criteria provided, single submitter. Criteria: ACMG Guidelines, 2015. Collection method: clinical testing. Allele origin: germline.
Comment: This variant is classified as likely benign based on ACMG/AMP sequence variant interpretation guidelines (Richards et al. 2015 PMID: 25741868, with internal and published modifications).

Blueprint Genetics
Classification: Likely benign. Last evaluated: 2024-09-02. Review status: criteria provided, single submitter. Criteria: ACMG Guidelines, 2015. Collection method: clinical testing. Allele origin: germline.

Ambry Genetics
Classification: Likely benign for Inborn genetic diseases. Last evaluated: 2023-05-29. Review status: criteria provided, single submitter. Criteria: Ambry Variant Classification Scheme 2023. Collection method: clinical testing. Allele origin: germline.

Natera, Inc.
Classification: Uncertain significance for Canavan disease. Last evaluated: 2018-01-28. Review status: no assertion criteria provided. Collection method: clinical testing. Allele origin: germline. Not counted in ClinVar's aggregate classification.

NM_000049.4(ASPA):c.840C>T (p.Pro280=)

Genes: ASPA (aspartoacylase; plus strand), SPATA22 (spermatogenesis associated 22; minus strand). Cytogenetic location: 17p13.2.
Variant type: single nucleotide variant.
Coding change: c.840C>T on transcript NM_000049.4 (MANE Select); coding-DNA position 840, C replaced by T.
Protein change: p.Pro280=; no amino-acid change (proline 280 retained).
Molecular consequence: synonymous variant. On other transcripts: intron variant (2).
Genome position (GRCh38, 1-based): chr17:3,498,986, C>T. VCF-style: chr17-3498986-C-T. GRCh37 (hg19) VCF-style: chr17-3402280-C-T.
Other names: c.840C>T, p.Pro280= (NM_001128085.1); c.-74+14426G>A (NM_001321336.2, NM_001321337.2).
Identifiers: ClinVar variation 697191 (VCV000697191.13), dbSNP rs148081446, ClinGen allele CA8289049.